The following is an entry in ClinVar:

ClinVar aggregate classification (germline): Uncertain significance (1 of 4 stars; one submission).

Conditions:
Capillary malformation-arteriovenous malformation syndrome. Also called: Capillary malformation-arteriovenous malformation. Identifiers: Orphanet 137667, MedGen C1842180, MONDO:0012016.

Submission:

Labcorp Genetics (formerly Invitae), Labcorp
Classification: Uncertain significance for Capillary malformation-arteriovenous malformation syndrome. Last evaluated: 2025-11-18. Review status: criteria provided, single submitter. Criteria: Invitae Variant Classification Sherloc (09022015). Collection method: clinical testing. Allele origin: germline.
Comment: This sequence change replaces glycine, which is neutral and non-polar, with serine, which is neutral and polar, at codon 21 of the RASA1 protein (p.Gly21Ser). This variant is not present in population databases (gnomAD no frequency). This variant has not been reported in the literature in individuals affected with RASA1-related conditions. An algorithm developed to predict the effect of missense changes on protein structure and function (PolyPhen-2) suggests that this variant is likely to be disruptive. In summary, the available evidence is currently insufficient to determine the role of this variant in disease. Therefore, it has been classified as a Variant of Uncertain Significance.

NM_002890.3(RASA1):c.61G>A (p.Gly21Ser)

Gene: RASA1 (RAS p21 protein activator 1; plus strand). Cytogenetic location: 5q14.3.
Variant type: single nucleotide variant.
Coding change: c.61G>A on transcript NM_002890.3 (MANE Select); coding-DNA position 61, G replaced by A.
Protein change: p.Gly21Ser; replaces glycine 21 with serine.
Molecular consequence: missense variant.
Genome position (GRCh38, 1-based): chr5:87,268,512, G>A. VCF-style: chr5-87268512-G-A. GRCh37 (hg19) VCF-style: chr5-86564329-G-A.
Other names: short protein forms G21S.
Identifiers: ClinVar variation 4797058 (VCV004797058.1).